The following is an entry in ClinVar:

ClinVar aggregate classification (germline): Likely pathogenic (1 of 4 stars; one submission).

Submission:

Mayo Clinic Laboratories, Mayo Clinic
Classification: Likely pathogenic. Last evaluated: 2023-05-31. Review status: criteria provided, single submitter. Criteria: ACMG Guidelines, 2015. Collection method: clinical testing. Allele origin: germline. Observed: 2 variant alleles.
Comment: PM2, PVS1

NM_000342.4(SLC4A1):c.1010del (p.Pro337fs)

Gene: SLC4A1 (solute carrier family 4 member 1 (Diego blood group); minus strand). Cytogenetic location: 17q21.31.
Variant type: Deletion.
Coding change: c.1010del on transcript NM_000342.4 (MANE Select); coding-DNA position 1010, one base deleted (C; older notation c.1010delC).
Protein change: p.Pro337fs; shifts the reading frame from proline 337.
Molecular consequence: frameshift variant.
Genome position (GRCh38, 1-based): chr17:44,258,490, G deleted on the plus strand (C on the coding strand, the reverse complement: SLC4A1 is on the minus strand); the first of 2 consecutive G bases (chr17:44,258,490-44,258,491); deleting either gives the same sequence. VCF-style (leftmost placement, unchanged base first): chr17-44258489-AG-A. GRCh37 (hg19) VCF-style: chr17-42335857-AG-A.
Other names: p.Pro337Leufs*26; short protein forms P337fs.
Identifiers: ClinVar variation 2683530 (VCV002683530.1), dbSNP rs2509967374, ClinGen allele CA2697559948.